The following is an entry in ClinVar:

ClinVar aggregate classification (germline): Benign. Review status: criteria provided, multiple submitters, no conflicts (2 of 4 stars). 7 submissions from 7 submitters: Benign (4). 3 of the submissions do not count toward it. Last evaluated 2026-03-01.

Conditions:
EIF4G1-related disorder. Also called: EIF4G1-related condition.

Allele frequency attached by ClinVar (database versions not stated): 1000 Genomes Project 0.00459; 1000 Genomes Project 30x 0.00500; TOPMed 0.00887; gnomAD exomes 0.00921; ExAC 0.00943; gnomAD 0.00958 and 0.00983; ESP Exome Variant Server 0.01038.
gnomAD v4.1: 17,982 of 1,594,696 alleles (1.1%); highest among the groups gnomAD compares: Non-Finnish European, 1.3%; 127 homozygotes.

Submissions (7):

CeGaT Center for Human Genetics Tuebingen
Classification: Benign. Last evaluated: 2026-03-01. Review status: criteria provided, single submitter. Criteria: CeGaT Center For Human Genetics Tuebingen Variant Classification Criteria Version 2. Collection method: clinical testing. Allele origin: germline. Affected: yes. Observed: 10 variant alleles.
Comment: EIF4G1: BP4, BP7, BS1, BS2

Mayo Clinic Laboratories, Mayo Clinic
Classification: Benign. Last evaluated: 2023-01-05. Review status: criteria provided, single submitter. Criteria: ACMG Guidelines, 2015. Collection method: clinical testing. Allele origin: germline. Observed: 17 variant alleles.
Comment: BS1, BS2, BP4, BP7

Labcorp Genetics (formerly Invitae), Labcorp
Classification: Benign. Last evaluated: 2019-12-31. Review status: criteria provided, single submitter. Criteria: Invitae Variant Classification Sherloc (09022015). Collection method: clinical testing. Allele origin: germline.

Breakthrough Genomics
Classification: Benign. Review status: criteria provided, single submitter. Criteria: ACMG Guidelines, 2015. Collection method: not provided. Allele origin: germline. Inheritance: Autosomal dominant inheritance. Affected: yes.

PreventionGenetics, part of Exact Sciences
Classification: Benign for EIF4G1-related condition. Last evaluated: 2019-03-18. Review status: no assertion criteria provided. Collection method: clinical testing. Allele origin: germline. Not counted in ClinVar's aggregate classification.
Comment: This variant is classified as benign based on ACMG/AMP sequence variant interpretation guidelines (Richards et al. 2015 PMID: 25741868, with internal and published modifications).

Clinical Genetics DNA and cytogenetics Diagnostics Lab, Erasmus MC, Erasmus Medical Center
Classification: Likely benign. Review status: no assertion criteria provided. Collection method: clinical testing. Allele origin: germline. Affected: yes. Study: VKGL Data-share Consensus. Not counted in ClinVar's aggregate classification.

Genome Diagnostics Laboratory, Amsterdam University Medical Center
Classification: Benign. Review status: no assertion criteria provided. Collection method: clinical testing. Allele origin: germline. Affected: yes. Study: VKGL Data-share Consensus. Not counted in ClinVar's aggregate classification.

Literature cited by the submitters: PubMed 22658323 (cited by Mayo Clinic Laboratories, Mayo Clinic).

NM_198241.3(EIF4G1):c.4383C>T (p.Phe1461=)

Gene: EIF4G1 (eukaryotic translation initiation factor 4 gamma 1; plus strand). Cytogenetic location: 3q27.1.
Variant type: single nucleotide variant.
Coding change: c.4383C>T on transcript NM_198241.3 (MANE Select); coding-DNA position 4383, C replaced by T.
Protein change: p.Phe1461=; no amino-acid change (phenylalanine 1461 retained).
Molecular consequence: synonymous variant.
Genome position (GRCh38, 1-based): chr3:184,331,594, C>T. VCF-style: chr3-184331594-C-T. GRCh37 (hg19) VCF-style: chr3-184049382-C-T.
Other names: p.Phe1461=; c.4404C>T, p.Phe1468= (NM_001194946.2, NM_001194947.2); c.4263C>T, p.Phe1421= (NM_001291157.2); c.3798C>T, p.Phe1266= (NM_004953.5); c.4386C>T, p.Phe1462= (NM_182917.4); c.3891C>T, p.Phe1297= (NM_198242.3); c.4122C>T, p.Phe1374= (NM_198244.3).
Identifiers: ClinVar variation 778292 (VCV000778292.33), dbSNP rs111921843, ClinGen allele CA2733107.
Genomic context (GRCh38, chr3:184,331,594, plus strand): 5'-GGAGCTGAACAGGCAGCTGGAGAAGCTGCTGAAGGAGGGCAGCAGTAACCAGCGGGTGTT[C>T]GACTGGATAGAGGTAGGTTTCTCCTGGATATCGATAAAGGAAAGGTAGTTCTTAGGGTGG-3'
Protein context (NP_937884.2, residues 1451-1471): LKEGSSNQRV[Phe1461=]DWIEANLSEQ